The following is an entry in ClinVar:

ClinVar aggregate classification (germline): Uncertain significance (1 of 4 stars; one submission).

Submission:

Labcorp Genetics (formerly Invitae), Labcorp
Classification: Uncertain significance. Last evaluated: 2023-02-24. Review status: criteria provided, single submitter. Criteria: Invitae Variant Classification Sherloc (09022015). Collection method: clinical testing. Allele origin: germline.
Comment: In summary, the available evidence is currently insufficient to determine the role of this variant in disease. Therefore, it has been classified as a Variant of Uncertain Significance. Advanced modeling of protein sequence and biophysical properties (such as structural, functional, and spatial information, amino acid conservation, physicochemical variation, residue mobility, and thermodynamic stability) performed at Invitae indicates that this missense variant is not expected to disrupt ALPK1 protein function. This variant has not been reported in the literature in individuals affected with ALPK1-related conditions. This variant is not present in population databases (gnomAD no frequency). This sequence change replaces histidine, which is basic and polar, with glutamine, which is neutral and polar, at codon 615 of the ALPK1 protein (p.His615Gln).

NM_025144.4(ALPK1):c.1845T>A (p.His615Gln)

Gene: ALPK1 (alpha kinase 1; plus strand). Cytogenetic location: 4q25.
Variant type: single nucleotide variant.
Coding change: c.1845T>A on transcript NM_025144.4 (MANE Select); coding-DNA position 1845, T replaced by A.
Protein change: p.His615Gln; replaces histidine 615 with glutamine.
Molecular consequence: missense variant.
Genome position (GRCh38, 1-based): chr4:112,431,392, T>A. VCF-style: chr4-112431392-T-A. GRCh37 (hg19) VCF-style: chr4-113352548-T-A.
Other names: c.1845T>A, p.His615Gln (NM_001102406.2); c.1611T>A, p.His537Gln (NM_001253884.2); short protein forms H537Q, H615Q.
Identifiers: ClinVar variation 2840621 (VCV002840621.3), dbSNP rs371985892, ClinGen allele CA357896247.